The following is an entry in ClinVar:

ClinVar aggregate classification (germline): Uncertain significance (1 of 4 stars; one submission).

Conditions:
TTN-related disorder. Also called: TTN-related disorders; TTN-related condition; TTN-related disease.

gnomAD v4.1: 11 of 1,613,628 alleles (0.00068%); highest among the groups gnomAD compares: East Asian, 0.022%; no homozygotes.

Submission:

PreventionGenetics, part of Exact Sciences
Classification: Uncertain significance for TTN-related condition. Last evaluated: 2025-12-22. Review status: criteria provided, single submitter. Criteria: ACMG Guidelines, 2015. Collection method: clinical testing. Allele origin: germline.
Comment: The TTN c.83040T>A variant is predicted to result in the amino acid substitution p.Asp27680Glu. To our knowledge, this variant has not been reported in the literature. This variant is reported in 0.11% of alleles in individuals of East Asian descent in gnomAD. Although we suspect that this variant may be benign, at this time, the clinical significance of this variant is uncertain due to the absence of conclusive functional and genetic evidence.

NM_001267550.2(TTN):c.83040T>A (p.Asp27680Glu)

Genes: TTN (titin; minus strand), TTN-AS1 (TTN antisense RNA 1; plus strand). Cytogenetic location: 2q31.2.
Variant type: single nucleotide variant.
Coding change: c.83040T>A on transcript NM_001267550.2 (MANE Select); coding-DNA position 83040, T replaced by A.
Protein change: p.Asp27680Glu; replaces aspartic acid 27680 with glutamic acid.
Molecular consequence: missense variant.
Genome position (GRCh38, 1-based): chr2:178,563,092, A>T on the plus strand (T>A on the coding strand, the complement: TTN is on the minus strand). VCF-style: chr2-178563092-A-T. GRCh37 (hg19) VCF-style: chr2-179427819-A-T.
Other names: c.78117T>A, p.Asp26039Glu (NM_001256850.1); c.55845T>A, p.Asp18615Glu (NM_003319.4); c.75336T>A, p.Asp25112Glu (NM_133378.4); c.56220T>A, p.Asp18740Glu (NM_133432.3); c.56421T>A, p.Asp18807Glu (NM_133437.4); short protein forms D18615E, D18740E, D26039E, D18807E, D25112E, D27680E.
Identifiers: ClinVar variation 4985623 (VCV004985623.1).